The following is an entry in ClinVar:

NM_000038.6(APC):c.7059T>C (p.Thr2353=)

Gene: APC (APC regulator of Wnt signaling pathway; plus strand). Cytogenetic location: 5q22.2.
Variant type: single nucleotide variant.
Coding change: c.7059T>C on transcript NM_000038.6 (MANE Select); coding-DNA position 7059, T replaced by C.
Protein change: p.Thr2353=; no amino-acid change (threonine 2353 retained).
Molecular consequence: synonymous variant.
Genome position (GRCh38, 1-based): chr5:112,842,653, T>C. VCF-style: chr5-112842653-T-C. GRCh37 (hg19) VCF-style: chr5-112178350-T-C.
Other names: c.7059T>C, p.Thr2353= (NM_001127510.3, NM_001354895.2); c.7005T>C, p.Thr2335= (NM_001127511.3); c.7113T>C, p.Thr2371= (NM_001354896.2); c.7089T>C, p.Thr2363= (NM_001354897.2); c.6984T>C, p.Thr2328= (NM_001354898.2); c.6975T>C, p.Thr2325= (NM_001354899.2); c.6936T>C, p.Thr2312= (NM_001354900.2); c.6882T>C, p.Thr2294= (NM_001354901.2); and 5 more.
Identifiers: ClinVar variation 537622 (VCV000537622.15), dbSNP rs1054356903, ClinGen allele CA446210819.
Genomic context (GRCh38, chr5:112,842,653, plus strand): 5'-AAATGGAATAAGTCCTCCTAACAAATTATCTCAACTTCCAAGGACATCATCCCCTAGTAC[T>C]GCTTCAACTAAGTCCTCAGGTTCTGGAAAAATGTCATATACATCTCCAGGTAGACAGATG-3'
Protein context (NP_000029.2, residues 2343-2363): SQLPRTSSPS[Thr2353=]ASTKSSGSGK

ClinVar aggregate classification (germline): Benign/Likely benign. Review status: criteria provided, multiple submitters, no conflicts (2 of 4 stars). 3 submissions from 3 submitters: Benign (1); Likely benign (2). Last evaluated 2025-03-13.

Conditions:
Familial adenomatous polyposis 1 (FAP1). Also called: FAMILIAL ADENOMATOUS POLYPOSIS 1, ATTENUATED; POLYPOSIS, ADENOMATOUS INTESTINAL. Identifiers: MedGen C2713442, MONDO:0021056, OMIM 175100. Disease mechanism: loss of function.
Hereditary cancer-predisposing syndrome. Also called: Tumor predisposition; Hereditary Cancer Syndrome; Hereditary neoplastic syndrome; Neoplastic Syndromes, Hereditary. Identifiers: Orphanet 140162, MedGen C0027672, MeSH D009386, MONDO:0015356.

Submissions (3):

Labcorp Genetics (formerly Invitae), Labcorp
Classification: Likely benign for Familial adenomatous polyposis 1. Last evaluated: 2025-03-13. Review status: criteria provided, single submitter. Criteria: Invitae Variant Classification Sherloc (09022015). Collection method: clinical testing. Allele origin: germline.

Myriad Genetics, Inc.
Classification: Benign for Familial adenomatous polyposis 1. Last evaluated: 2024-04-08. Review status: criteria provided, single submitter. Criteria: Myriad Autosomal Dominant, Autosomal Recessive and X-Linked Classification Criteria (2023). Collection method: clinical testing. Allele origin: unknown.
Comment: This variant is considered benign. This variant is a silent/synonymous amino acid change and it is not expected to impact splicing.

Ambry Genetics
Classification: Likely benign for Hereditary cancer-predisposing syndrome. Last evaluated: 2018-08-22. Review status: criteria provided, single submitter. Criteria: Ambry Variant Classification Scheme 2023. Collection method: clinical testing. Allele origin: germline.